The following is an entry in ClinVar:

NM_152594.3(SPRED1):c.49G>C (p.Val17Leu)

Gene: SPRED1 (sprouty related EVH1 domain containing 1; plus strand). Cytogenetic location: 15q14.
Variant type: single nucleotide variant.
Coding change: c.49G>C on transcript NM_152594.3 (MANE Select); coding-DNA position 49, G replaced by C.
Protein change: p.Val17Leu; replaces valine 17 with leucine.
Molecular consequence: missense variant.
Genome position (GRCh38, 1-based): chr15:38,299,389, G>C. VCF-style: chr15-38299389-G-C. GRCh37 (hg19) VCF-style: chr15-38591590-G-C.
Other names: short protein forms V17L.
Identifiers: ClinVar variation 1308064 (VCV001308064.4), dbSNP rs1895106351, ClinGen allele CA391933802.

ClinVar aggregate classification (germline): Uncertain significance. Review status: criteria provided, multiple submitters, no conflicts (2 of 4 stars). 2 submissions from 2 submitters: Uncertain significance (2). Last evaluated 2024-03-27.

Conditions:
Legius syndrome. Identifiers: Orphanet 137605, MedGen C1969623, MONDO:0012669, OMIM 611431. Disease mechanism: loss of function.

Submissions (2):

Labcorp Genetics (formerly Invitae), Labcorp
Classification: Uncertain significance for Legius syndrome. Last evaluated: 2024-03-27. Review status: criteria provided, single submitter. Criteria: Invitae Variant Classification Sherloc (09022015). Collection method: clinical testing. Allele origin: germline.
Comment: This sequence change replaces valine, which is neutral and non-polar, with leucine, which is neutral and non-polar, at codon 17 of the SPRED1 protein (p.Val17Leu). This variant is not present in population databases (gnomAD no frequency). This variant has not been reported in the literature in individuals affected with SPRED1-related conditions. ClinVar contains an entry for this variant (Variation ID: 1308064). Advanced modeling of protein sequence and biophysical properties (such as structural, functional, and spatial information, amino acid conservation, physicochemical variation, residue mobility, and thermodynamic stability) performed at Invitae indicates that this missense variant is expected to disrupt SPRED1 protein function with a positive predictive value of 80%. In summary, the available evidence is currently insufficient to determine the role of this variant in disease. Therefore, it has been classified as a Variant of Uncertain Significance.

GeneDx
Classification: Uncertain significance. Last evaluated: 2019-08-16. Review status: criteria provided, single submitter. Criteria: GeneDx Variant Classification Process June 2021. Collection method: clinical testing. Allele origin: germline. Affected: yes.
Comment: Not observed in large population cohorts (Lek 2016); In silico analysis, which includes protein predictors and evolutionary conservation, supports a deleterious effect; Has not been previously published as pathogenic or benign to our knowledge